The following is an entry in ClinVar:

NM_001035.3(RYR2):c.14809-15C>G

Gene: RYR2 (ryanodine receptor 2; plus strand). Cytogenetic location: 1q43.
Variant type: single nucleotide variant.
Coding change: c.14809-15C>G on transcript NM_001035.3 (MANE Select); 15 bases into the intron before coding-DNA position 14809, C replaced by G.
Molecular consequence: intron variant.
Genome position (GRCh38, 1-based): chr1:237,832,537, C>G. VCF-style: chr1-237832537-C-G. GRCh37 (hg19) VCF-style: chr1-237995837-C-G.
Identifiers: ClinVar variation 36735 (VCV000036735.73), dbSNP rs790897, ClinGen allele CA008418.

ClinVar aggregate classification (germline): Benign/Likely benign. Review status: criteria provided, multiple submitters, no conflicts (2 of 4 stars). 20 submissions from 19 submitters: Benign (9); Likely benign (5). 6 of the submissions do not count toward it. Last evaluated 2026-09-01.

Conditions:
Cardiomyopathy (CMYO). Also called: Cardiomyopathies. Identifiers: Orphanet 167848, MedGen C0878544, MONDO:0004994, HP:0001638. Inheritance: Various modes of inheritance.
Catecholaminergic polymorphic ventricular tachycardia 1. Also called: RYR2-Related Catecholaminergic Polymorphic Ventricular Tachycardia; VENTRICULAR TACHYCARDIA, STRESS-INDUCED POLYMORPHIC 1; VENTRICULAR TACHYCARDIA, CATECHOLAMINERGIC POLYMORPHIC, 1, WITH OR WITHOUT ATRIAL DYSFUNCTION AND/OR DILATED CARDIOMYOPATHY. Identifiers: Orphanet 3286, MedGen C1631597, MONDO:0011484, OMIM 604772.
Arrhythmogenic right ventricular dysplasia 2. Identifiers: MedGen C1832931.
Catecholaminergic polymorphic ventricular tachycardia (CVPT). Also called: Catecholamine-induced polymorphic ventricular tachycardia. Identifiers: Orphanet 3286, MedGen C5574922, MONDO:0017990.

Allele frequency attached by ClinVar (database versions not stated): ExAC 0.00586; ESP Exome Variant Server 0.00759; gnomAD 0.00551 and 0.00538; 1000 Genomes Project 0.00180; TOPMed 0.00538; 1000 Genomes Project 30x 0.00219.
gnomAD v4.1: 12,542 of 1,562,306 alleles (0.8%); highest among the groups gnomAD compares: Non-Finnish European, 0.97%; 71 homozygotes.

Submissions (28):

CeGaT Center for Human Genetics Tuebingen
Classification: Benign. Last evaluated: 2026-09-01. Review status: criteria provided, single submitter. Criteria: CeGaT Center For Human Genetics Tuebingen Variant Classification Criteria Version 2. Collection method: clinical testing. Allele origin: germline. Affected: yes. Observed: 41 variant alleles.
Comment: RYR2: BS1, BS2

Labcorp Genetics (formerly Invitae), Labcorp
Classification: Benign for Catecholaminergic polymorphic ventricular tachycardia 1. Last evaluated: 2026-02-03. Review status: criteria provided, single submitter. Criteria: Invitae Variant Classification Sherloc (09022015). Collection method: clinical testing. Allele origin: germline.

Genomic Medicine Center of Excellence, King Faisal Specialist Hospital and Research Centre
Classification: Likely benign. Last evaluated: 2025-08-18. Review status: criteria provided, single submitter. Criteria: ACMG Guidelines, 2015. Collection method: clinical testing. Allele origin: germline.

Blueprint Genetics
Classification: Likely benign. Last evaluated: 2024-11-26. Review status: criteria provided, single submitter. Criteria: ACMG Guidelines, 2015. Collection method: clinical testing. Allele origin: germline.

ARUP Laboratories, Molecular Genetics and Genomics, ARUP Laboratories
Classification: Benign. Last evaluated: 2024-11-20. Review status: criteria provided, single submitter. Criteria: ARUP Molecular Germline Variant Investigation Process 2024. Collection method: clinical testing. Allele origin: germline.

All of Us Research Program, National Institutes of Health
Classification: Benign for Catecholaminergic polymorphic ventricular tachycardia. Last evaluated: 2024-02-05. Review status: criteria provided, single submitter. Criteria: ACMG Guidelines, 2015. Collection method: clinical testing. Allele origin: germline. Inheritance: Autosomal dominant inheritance. Observed: 1,603 variant alleles, 1,597 heterozygotes, 6 homozygotes.
Comment: This study involves interpretation of variants in research participants for the purpose of population health screening. Participant phenotype was not available at the time of variant classification. Additional details can be found in publication PMID: 35346344, PMCID: PMC8962531

Color Diagnostics, LLC DBA Color Health
Classification: Benign for Cardiomyopathy. Last evaluated: 2018-03-15. Review status: criteria provided, single submitter. Criteria: ACMG Guidelines, 2015. Collection method: clinical testing. Allele origin: germline.

Illumina Laboratory Services, Illumina
Classification: Likely benign for Catecholaminergic polymorphic ventricular tachycardia 1. Last evaluated: 2018-01-13. Review status: criteria provided, single submitter. Criteria: ICSL Variant Classification Criteria 13 December 2019. Collection method: clinical testing. Allele origin: germline.
Comment: This variant was observed in the ICSL laboratory as part of a predisposition screen in an ostensibly healthy population. It had not been previously curated by ICSL or reported in the Human Gene Mutation Database (HGMD: prior to June 1st, 2018), and was therefore a candidate for classification through an automated scoring system. Utilizing variant allele frequency, disease prevalence and penetrance estimates, and inheritance mode, an automated score was calculated to assess if this variant is too frequent to cause the disease. Based on the score and internal cut-off values, a variant classified as likely benign is not then subjected to further curation. The score for this variant resulted in a classification of likely benign for this disease.

Illumina Laboratory Services, Illumina
Classification: Benign for Catecholaminergic polymorphic ventricular tachycardia 1. Last evaluated: 2018-01-13. Review status: criteria provided, single submitter. Criteria: ICSL Variant Classification Criteria 13 December 2019. Collection method: clinical testing. Allele origin: germline.
Comment: This variant was observed in the ICSL laboratory as part of a predisposition screen in an ostensibly healthy population. It had not been previously curated by ICSL or reported in the Human Gene Mutation Database (HGMD: prior to June 1st, 2018), and was therefore a candidate for classification through an automated scoring system. Utilizing variant allele frequency, disease prevalence and penetrance estimates, and inheritance mode, an automated score was calculated to assess if this variant is too frequent to cause the disease. Based on the score and internal cut-off values, a variant classified as benign is not then subjected to further curation. The score for this variant resulted in a classification of benign for this disease.

Center for Pediatric Genomic Medicine, Children's Mercy Hospital and Clinics
Classification: Benign. Last evaluated: 2017-06-16. Review status: criteria provided, single submitter. Criteria: ACMG Guidelines, 2015. Collection method: clinical testing. Allele origin: germline.

GeneDx
Classification: Benign. Last evaluated: 2015-03-03. Review status: criteria provided, single submitter. Criteria: GeneDx Variant Classification Process June 2021. Collection method: clinical testing. Allele origin: germline. Affected: yes.

Laboratory for Molecular Medicine, Mass General Brigham Personalized Medicine
Classification: Benign. Last evaluated: 2012-02-29. Review status: criteria provided, single submitter. Criteria: LMM Criteria. Collection method: clinical testing. Allele origin: germline. Observed: 28 variant alleles.
Comment: 14809-15C>G in intron 104 of RYR2: This variant is not expected to have clinical significance because it has been identified in 1.1% (70/6652) of European Ameri can chromosomes from a broad population by the NHLBI Exome Sequencing Project (dbSNP rs790897).

Breakthrough Genomics
Classification: Likely benign. Review status: criteria provided, single submitter. Criteria: ACMG Guidelines, 2015. Collection method: not provided. Allele origin: germline. Inheritance: Autosomal dominant inheritance. Affected: yes.

PreventionGenetics, part of Exact Sciences
Classification: Likely benign. Review status: criteria provided, single submitter. Criteria: ACMG Guidelines, 2015. Collection method: clinical testing. Allele origin: germline.

Women's Health and Genetics/Laboratory Corporation of America, LabCorp
Classification: Benign for Cardiomyopathy. Last evaluated: 2015-05-13. Review status: no assertion criteria provided. Collection method: clinical testing. Allele origin: germline. Not counted in ClinVar's aggregate classification.

Clinical Genetics DNA and cytogenetics Diagnostics Lab, Erasmus MC, Erasmus Medical Center
Classification: Benign. Review status: no assertion criteria provided. Collection method: clinical testing. Allele origin: germline. Affected: yes. Study: VKGL Data-share Consensus. Not counted in ClinVar's aggregate classification.

Clinical Genetics, Academic Medical Center
Classification: Benign. Review status: no assertion criteria provided. Collection method: clinical testing. Allele origin: germline. Affected: yes. Study: VKGL Data-share Consensus. Not counted in ClinVar's aggregate classification.

Diagnostic Laboratory, Department of Genetics, University Medical Center Groningen
Classification: Likely benign. Review status: no assertion criteria provided. Collection method: clinical testing. Allele origin: germline. Affected: yes. Study: VKGL Data-share Consensus. Not counted in ClinVar's aggregate classification.

Dr. Peter K. Rogan Lab, Western University
No classification provided (evidence only). Condition: Lung cancer. Review status: no classification provided. Collection method: in vitro. Allele origin: not applicable. Functional consequence: retained intron. Not counted in ClinVar's aggregate classification.

Dr. Peter K. Rogan Lab, Western University
No classification provided (evidence only). Condition: Lung cancer. Review status: no classification provided. Collection method: in vitro. Allele origin: not applicable. Functional consequence: retained intron. Not counted in ClinVar's aggregate classification.

Dr. Peter K. Rogan Lab, Western University
No classification provided (evidence only). Condition: Familial cancer of breast. Review status: no classification provided. Collection method: in vitro. Allele origin: not applicable. Functional consequence: retained intron. Not counted in ClinVar's aggregate classification.

Dr. Peter K. Rogan Lab, Western University
No classification provided (evidence only). Condition: Thymoma. Review status: no classification provided. Collection method: in vitro. Allele origin: not applicable. Functional consequence: retained intron. Not counted in ClinVar's aggregate classification.

Dr. Peter K. Rogan Lab, Western University
No classification provided (evidence only). Condition: Ovarian serous cystadenocarcinoma. Review status: no classification provided. Collection method: in vitro. Allele origin: not applicable. Functional consequence: retained intron. Not counted in ClinVar's aggregate classification.

Dr. Peter K. Rogan Lab, Western University
No classification provided (evidence only). Condition: Ovarian serous cystadenocarcinoma. Review status: no classification provided. Collection method: in vitro. Allele origin: not applicable. Functional consequence: retained intron. Not counted in ClinVar's aggregate classification.

Dr. Peter K. Rogan Lab, Western University
No classification provided (evidence only). Condition: Malignant tumor of esophagus. Review status: no classification provided. Collection method: in vitro. Allele origin: not applicable. Functional consequence: retained intron. Not counted in ClinVar's aggregate classification.

Dr. Peter K. Rogan Lab, Western University
No classification provided (evidence only). Condition: Nonpapillary renal cell carcinoma. Review status: no classification provided. Collection method: in vitro. Allele origin: not applicable. Functional consequence: retained intron. Not counted in ClinVar's aggregate classification.

Genome Diagnostics Laboratory, University Medical Center Utrecht
Classification: Likely benign. Review status: no assertion criteria provided. Collection method: clinical testing. Allele origin: germline. Affected: yes. Study: VKGL Data-share Consensus. Not counted in ClinVar's aggregate classification.

Joint Genome Diagnostic Labs from Nijmegen and Maastricht, Radboudumc and MUMC+
Classification: Benign. Review status: no assertion criteria provided. Collection method: clinical testing. Allele origin: germline. Affected: yes. Study: VKGL Data-share Consensus. Not counted in ClinVar's aggregate classification.